The following is an entry in ClinVar:

ClinVar aggregate classification (germline): Benign/Likely benign. Review status: criteria provided, multiple submitters, no conflicts (2 of 4 stars). 17 submissions from 17 submitters: Benign (8); Likely benign (6). 3 of the submissions do not count toward it. Last evaluated 2026-06-01.

Conditions:
PEX12-related disorder. Also called: PEX12-related condition; PEX12-related disorders.
Peroxisome biogenesis disorder type 3B. Identifiers: Orphanet 44, Orphanet 772, MedGen C3550693, MONDO:0009959, OMIM 266510.
Peroxisome biogenesis disorder 3A (Zellweger). Also called: Peroxisome biogenesis disorder 3A; PEROXISOMAL BIOGENESIS DISORDER 3A (ZELLWEGER). Identifiers: Orphanet 912, MedGen C3553929, MONDO:0013927, OMIM 614859.

Allele frequency attached by ClinVar (database versions not stated): gnomAD 0.00497 and 0.00493; 1000 Genomes Project 0.00220; TOPMed 0.00365; ESP Exome Variant Server 0.00492; 1000 Genomes Project 30x 0.00234; gnomAD exomes 0.00573 and 0.00511; ExAC 0.00574.

Submissions (17):

CeGaT Center for Human Genetics Tuebingen
Classification: Benign. Last evaluated: 2026-06-01. Review status: criteria provided, single submitter. Criteria: CeGaT Center For Human Genetics Tuebingen Variant Classification Criteria Version 2. Collection method: clinical testing. Allele origin: germline. Affected: yes. Observed: 10 variant alleles.
Comment: PEX12: BS1, BS2

Labcorp Genetics (formerly Invitae), Labcorp
Classification: Benign for Peroxisome biogenesis disorder 3A (Zellweger). Last evaluated: 2026-02-03. Review status: criteria provided, single submitter. Criteria: Invitae Variant Classification Sherloc (09022015). Collection method: clinical testing. Allele origin: germline.

Genomic Medicine Center of Excellence, King Faisal Specialist Hospital and Research Centre
Classification: Likely benign. Last evaluated: 2025-08-18. Review status: criteria provided, single submitter. Criteria: ACMG Guidelines, 2015. Collection method: clinical testing. Allele origin: germline.

ARUP Laboratories, Molecular Genetics and Genomics, ARUP Laboratories
Classification: Benign. Last evaluated: 2025-04-16. Review status: criteria provided, single submitter. Criteria: ARUP Molecular Germline Variant Investigation Process 2024. Collection method: clinical testing. Allele origin: germline.

Blueprint Genetics
Classification: Likely benign. Last evaluated: 2024-11-27. Review status: criteria provided, single submitter. Criteria: ACMG Guidelines, 2015. Collection method: clinical testing. Allele origin: germline.

Women's Health and Genetics/Laboratory Corporation of America, LabCorp
Classification: Benign. Last evaluated: 2022-06-14. Review status: criteria provided, single submitter. Criteria: LabCorp Variant Classification Summary - May 2015. Collection method: clinical testing. Allele origin: germline.
Comment: Variant summary: PEX12 c.102A>T (p.Arg34Ser) results in a non-conservative amino acid change located in the Pex, N-terminal domain (IPR006845) of the encoded protein sequence. Four of five in-silico tools predict a damaging effect of the variant on protein function. The variant allele was found at a frequency of 0.0058 in 282832 control chromosomes in the gnomAD database, including 17 homozygotes. The observed variant frequency is approximately 4 fold of the estimated maximal expected allele frequency for a pathogenic variant in PEX12 causing Zellweger Syndrome (0.0016), strongly suggesting that the variant is benign. Six ClinVar submitters have assessed the variant since 2014: two classified the variant as likely benign and four as benign. Based on the evidence outlined above, the variant was classified as benign.

Fulgent Genetics
Classification: Likely benign for Peroxisome biogenesis disorder type 3B; Peroxisome biogenesis disorder 3A (Zellweger). Last evaluated: 2022-04-12. Review status: criteria provided, single submitter. Criteria: ACMG Guidelines, 2015. Collection method: clinical testing. Allele origin: unknown.

GeneDx
Classification: Benign. Last evaluated: 2020-12-09. Review status: criteria provided, single submitter. Criteria: GeneDx Variant Classification Process June 2021. Collection method: clinical testing. Allele origin: germline. Affected: yes.
Comment: This variant is associated with the following publications: (PMID: 26643206, 17534573, 15542397)

Mendelics
Classification: Benign for Peroxisome biogenesis disorder type 3B. Last evaluated: 2019-05-28. Review status: criteria provided, single submitter. Criteria: Mendelics Assertion Criteria 2017. Collection method: clinical testing. Allele origin: unknown.

Center for Pediatric Genomic Medicine, Children's Mercy Hospital and Clinics
Classification: Benign. Last evaluated: 2017-09-18. Review status: criteria provided, single submitter. Criteria: ACMG Guidelines, 2015. Collection method: clinical testing. Allele origin: germline.

Illumina Laboratory Services, Illumina
Classification: Likely benign for Peroxisome biogenesis disorder 3A (Zellweger). Last evaluated: 2017-04-27. Review status: criteria provided, single submitter. Criteria: ICSL Variant Classification Criteria 13 December 2019. Collection method: clinical testing. Allele origin: germline.
Comment: This variant was observed as part of a predisposition screen in an ostensibly healthy population. A literature search was performed for the gene, cDNA change, and amino acid change (where applicable). Publications were found based on this search. The evidence from the literature, in combination with allele frequency data from public databases where available, was sufficient to determine this variant is unlikely to cause disease. Therefore, this variant is classified as likely benign.

Laboratory for Molecular Medicine, Mass General Brigham Personalized Medicine
Classification: Likely benign. Last evaluated: 2016-03-28. Review status: criteria provided, single submitter. Criteria: LMM Criteria. Collection method: clinical testing. Allele origin: germline.
Comment: Variant identified in a genome or exome case(s) and assessed due to predicted null impact of the variant or pathogenic assertions in the literature or databases. Disclaimer: This variant has not undergone full assessment. The following are preliminary notes: Benign by Emory 2014. Has been reported in 2 homozygous individuals of iranian origin, who presented with peroxisomal biogenesis disorder with mild clinical phenotype. Consanguinity in at least one of the families. (Zeharia 2007). Given the high frequency in ExAC, LB

Eurofins Ntd Llc (ga)
Classification: Benign. Last evaluated: 2014-05-02. Review status: criteria provided, single submitter. Criteria: EGL Classification Definitions 2015. Collection method: clinical testing. Allele origin: germline. Observed: 4 variant alleles, 4 heterozygotes.

Breakthrough Genomics
Classification: Likely benign. Review status: criteria provided, single submitter. Criteria: ACMG Guidelines, 2015. Collection method: not provided. Allele origin: germline. Inheritance: Autosomal recessive inheritance. Affected: yes.

PreventionGenetics, part of Exact Sciences
Classification: Likely benign for PEX12-related condition. Last evaluated: 2020-02-14. Review status: no assertion criteria provided. Collection method: clinical testing. Allele origin: germline. Not counted in ClinVar's aggregate classification.
Comment: This variant is classified as likely benign based on ACMG/AMP sequence variant interpretation guidelines (Richards et al. 2015 PMID: 25741868, with internal and published modifications).

Clinical Genetics DNA and cytogenetics Diagnostics Lab, Erasmus MC, Erasmus Medical Center
Classification: Benign. Review status: no assertion criteria provided. Collection method: clinical testing. Allele origin: germline. Affected: yes. Study: VKGL Data-share Consensus. Not counted in ClinVar's aggregate classification.

Genome Diagnostics Laboratory, University Medical Center Utrecht
Classification: Benign. Review status: no assertion criteria provided. Collection method: clinical testing. Allele origin: germline. Affected: yes. Study: VKGL Data-share Consensus. Not counted in ClinVar's aggregate classification.

Literature cited by the submitters: PubMed 17534573 (cited by Illumina Laboratory Services, Illumina); PubMed 15542397 (cited by Illumina Laboratory Services, Illumina).

NM_000286.3(PEX12):c.102A>T (p.Arg34Ser)

Gene: PEX12 (peroxisomal biogenesis factor 12; minus strand). Cytogenetic location: 17q12.
Variant type: single nucleotide variant.
Coding change: c.102A>T on transcript NM_000286.3 (MANE Select); coding-DNA position 102, A replaced by T.
Protein change: p.Arg34Ser; replaces arginine 34 with serine.
Molecular consequence: missense variant.
Genome position (GRCh38, 1-based): chr17:35,577,920, T>A on the plus strand (A>T on the coding strand, the complement: PEX12 is on the minus strand). VCF-style: chr17-35577920-T-A. GRCh37 (hg19) VCF-style: chr17-33904939-T-A.
Other names: short protein forms R34S.
Identifiers: ClinVar variation 92773 (VCV000092773.54), dbSNP rs147530802, ClinGen allele CA145995.